The following is an entry in ClinVar:

ClinVar aggregate classification (germline): Uncertain significance. Review status: criteria provided, multiple submitters, no conflicts (2 of 4 stars). 2 submissions from 2 submitters: Uncertain significance (2). Last evaluated 2025-02-10.

Allele frequency attached by ClinVar (database versions not stated): gnomAD exomes below 0.00001; TOPMed below 0.00001; ExAC 0.00001.
gnomAD v4.1: 3 of 1,613,928 alleles (0.00019%); highest among the groups gnomAD compares: Non-Finnish European, 0.00017%; no homozygotes.

Submissions (2):

Ambry Genetics
Classification: Uncertain significance. Last evaluated: 2025-02-10. Review status: criteria provided, single submitter. Criteria: Ambry Variant Classification Scheme 2023. Collection method: clinical testing. Allele origin: germline.

Labcorp Genetics (formerly Invitae), Labcorp
Classification: Uncertain significance. Last evaluated: 2022-03-14. Review status: criteria provided, single submitter. Criteria: Invitae Variant Classification Sherloc (09022015). Collection method: clinical testing. Allele origin: germline.
Comment: In summary, the available evidence is currently insufficient to determine the role of this variant in disease. Therefore, it has been classified as a Variant of Uncertain Significance. Algorithms developed to predict the effect of sequence changes on RNA splicing suggest that this variant may create or strengthen a splice site. Algorithms developed to predict the effect of missense changes on protein structure and function are either unavailable or do not agree on the potential impact of this missense change (SIFT: "Deleterious"; PolyPhen-2: "Probably Damaging"; Align-GVGD: "Class C0"). This variant has not been reported in the literature in individuals affected with PLXNA1-related conditions. This variant is present in population databases (rs765970390, gnomAD 0.002%). This sequence change replaces serine, which is neutral and polar, with cysteine, which is neutral and slightly polar, at codon 1061 of the PLXNA1 protein (p.Ser1061Cys).

NM_032242.4(PLXNA1):c.3181A>T (p.Ser1061Cys)

Gene: PLXNA1 (plexin A1; plus strand). Cytogenetic location: 3q21.3.
Variant type: single nucleotide variant.
Coding change: c.3181A>T on transcript NM_032242.4 (MANE Select); coding-DNA position 3181, A replaced by T.
Protein change: p.Ser1061Cys; replaces serine 1061 with cysteine.
Molecular consequence: missense variant.
Genome position (GRCh38, 1-based): chr3:127,016,683, A>T. VCF-style: chr3-127016683-A-T. GRCh37 (hg19) VCF-style: chr3-126735526-A-T.
Other names: c.3181A>T (NM_032242.3); short protein forms S1061C.
Identifiers: ClinVar variation 2149590 (VCV002149590.5), dbSNP rs765970390, ClinGen allele CA2593913.